The following is an entry in ClinVar:

NM_014391.3(ANKRD1):c.599_600del (p.Asp200fs)

Gene: ANKRD1 (ankyrin repeat domain 1; minus strand). Cytogenetic location: 10q23.31.
Variant type: Deletion.
Coding change: c.599_600del on transcript NM_014391.3 (MANE Select); coding-DNA positions 599 to 600, 2 bases deleted (AT; older notation c.599_600delAT).
Protein change: p.Asp200fs; shifts the reading frame from aspartic acid 200.
Molecular consequence: frameshift variant.
Genome position (GRCh38, 1-based): chr10:90,916,222-90,916,223, AT deleted on the plus strand (AT on the coding strand, the reverse complement: ANKRD1 is on the minus strand). VCF-style (leftmost placement, unchanged base first): chr10-90916221-CAT-C. GRCh37 (hg19) VCF-style: chr10-92675978-CAT-C.
Other names: short protein forms D200fs.
Identifiers: ClinVar variation 3347425 (VCV003347425.1).
Genomic context (GRCh38, chr10:90,916,221, plus strand): 5'-GAAGGAATACCTTATCTCGGGCGCTAATTTTTGCTCCTTTATTCAGCAACAATTTTAAAA[CAT>C]CCAGGTTTCCTCCACGGCTTGCCCAGTGGATGGCTGTGGATTCAAGCTATACCGGGAGGG-3'

ClinVar aggregate classification (germline): Uncertain significance (0 of 4 stars; one submission).

Conditions:
ANKRD1-related disorder. Also called: ANKRD1-related condition.

Submission:

PreventionGenetics, part of Exact Sciences
Classification: Uncertain significance for ANKRD1-related condition. Last evaluated: 2024-09-06. Review status: no assertion criteria provided. Collection method: clinical testing. Allele origin: germline.
Comment: The ANKRD1 c.599_600delAT variant is predicted to result in a frameshift and premature protein termination (p.Asp200Glyfs*8). To our knowledge, this variant has not been reported in the literature or in a large population database, indicating this variant is rare. At this time, the clinical significance of this variant is uncertain due to the absence of conclusive functional and genetic evidence.